The following is an entry in ClinVar:

NM_000038.6(APC):c.2403dup (p.Asp802Ter)

Gene: APC (APC regulator of Wnt signaling pathway; plus strand). Cytogenetic location: 5q22.2.
Variant type: Duplication.
Coding change: c.2403dup on transcript NM_000038.6 (MANE Select); coding-DNA position 2403, one base duplicated (T; older notation c.2403dupT).
Protein change: p.Asp802Ter; replaces aspartic acid 802 with a stop codon.
Molecular consequence: nonsense. On other transcripts: non-coding transcript variant (2).
Genome position (GRCh38, 1-based): chr5:112,837,997, T duplicated; the last of 5 consecutive T bases (chr5:112,837,993-112,837,997); duplicating any one gives the same sequence. VCF-style (leftmost placement, unchanged base first): chr5-112837992-G-GT. GRCh37 (hg19) VCF-style: chr5-112173689-G-GT.
Other names: c.2403dup, p.Asp802Ter (NM_001127510.3, NM_001354895.2, NM_001407450.1); c.2349dup, p.Asp784Ter (NM_001127511.3); c.2457dup, p.Asp820Ter (NM_001354896.2, NM_001407447.1, NM_001407448.1 and 1 more transcripts); c.2433dup, p.Asp812Ter (NM_001354897.2); c.2328dup, p.Asp777Ter (NM_001354898.2); c.2319dup, p.Asp774Ter (NM_001354899.2); c.2280dup, p.Asp761Ter (NM_001354900.2); c.2226dup, p.Asp743Ter (NM_001354901.2, NM_001407453.1); and 11 more; short protein forms D418*, D519*, D642*, D673*, D676*, D701*, D711*, D719*.
Identifiers: ClinVar variation 2584003 (VCV002584003.1), dbSNP rs2149868359, ClinGen allele CA2582341465.

ClinVar aggregate classification (germline): Pathogenic (1 of 4 stars; one submission).

Conditions:
Familial adenomatous polyposis 1 (FAP1). Also called: FAMILIAL ADENOMATOUS POLYPOSIS 1, ATTENUATED; POLYPOSIS, ADENOMATOUS INTESTINAL. Identifiers: MedGen C2713442, MONDO:0021056, OMIM 175100. Disease mechanism: loss of function.

Submission:

Myriad Genetics, Inc.
Classification: Pathogenic for Familial adenomatous polyposis 1. Last evaluated: 2023-05-04. Review status: criteria provided, single submitter. Criteria: Myriad Autosomal Dominant, Autosomal Recessive and X-Linked Classification Criteria (2023). Collection method: clinical testing. Allele origin: unknown.
Comment: This variant is considered pathogenic. This variant creates a termination codon and is predicted to result in premature protein truncation.